The following is an entry in ClinVar:

ClinVar aggregate classification (germline): Likely benign (1 of 4 stars; one submission).

Allele frequency attached by ClinVar (database versions not stated): ExAC 0.00053; 1000 Genomes Project 0.00160; 1000 Genomes Project 30x 0.00172.
gnomAD v4.1: 326 of 469,870 alleles (0.069%); highest among the groups gnomAD compares: African/African-American, 0.62%; 2 homozygotes.

Submission:

CeGaT Center for Human Genetics Tuebingen
Classification: Likely benign. Last evaluated: 2023-09-01. Review status: criteria provided, single submitter. Criteria: CeGaT Center For Human Genetics Tuebingen Variant Classification Criteria Version 2. Collection method: clinical testing. Allele origin: germline. Affected: yes. Observed: 1 variant allele.
Comment: LDB3: BS1

NM_001368063.1(LDB3):c.-35G>T

Gene: LDB3 (LIM domain binding 3; plus strand). Cytogenetic location: 10q23.2.
Variant type: single nucleotide variant.
Coding change: c.-35G>T on transcript NM_001368063.1; 35 bases upstream of the start codon, G replaced by T.
Molecular consequence: 5 prime UTR variant.
Genome position (GRCh38, 1-based): chr10:86,666,837, G>T. VCF-style: chr10-86666837-G-T. GRCh37 (hg19) VCF-style: chr10-88426594-G-T.
Other names: c.-35G>T (NM_001368064.1, NM_001368068.1).
Identifiers: ClinVar variation 2640653 (VCV002640653.22), dbSNP rs550972381, ClinGen allele CA5584544.